The following is an entry in ClinVar:

NM_004863.4(SPTLC2):c.*4198C>T

Gene: SPTLC2 (serine palmitoyltransferase long chain base subunit 2; minus strand). Cytogenetic location: 14q24.3.
Variant type: single nucleotide variant.
Coding change: c.*4198C>T on transcript NM_004863.4 (MANE Select); 4198 bases downstream of the stop codon, C replaced by T.
Molecular consequence: 3 prime UTR variant.
Genome position (GRCh38, 1-based): chr14:77,508,086, G>A on the plus strand (C>T on the coding strand, the complement: SPTLC2 is on the minus strand). VCF-style: chr14-77508086-G-A. GRCh37 (hg19) VCF-style: chr14-77974429-G-A.
Identifiers: ClinVar variation 314592 (VCV000314592.5), dbSNP rs143542715, ClinGen allele CA10641135.
Genomic context (GRCh38, chr14:77,508,086, plus strand): 5'-ATTTTTTTTCCCCCTCTTATTGAGCCAGGGTCTCACTCTGTCACCCAGGCTGGAGTGCAG[G>A]GGTGCAATCATGGCTCACTGCAGCCTTGACCTCCCAGGCTCAAGTGATTCTCCCACACAG-3'

ClinVar aggregate classification (germline): Benign (1 of 4 stars; one submission).

Conditions:
Neuropathy, hereditary sensory and autonomic, type 1C. Also called: HSAN IC; HSN IC. Identifiers: Orphanet 36386, MedGen C3150896, MONDO:0013337, OMIM 613640.

Allele frequency attached by ClinVar (database versions not stated): gnomAD 0.02594 and 0.02771; TOPMed 0.02839; 1000 Genomes Project 0.03115; 1000 Genomes Project 30x 0.03139.

Submission:

Illumina Laboratory Services, Illumina
Classification: Benign for Neuropathy, hereditary sensory and autonomic, type 1C. Last evaluated: 2018-01-12. Review status: criteria provided, single submitter. Criteria: ICSL Variant Classification Criteria 13 December 2019. Collection method: clinical testing. Allele origin: germline.
Comment: This variant was observed in the ICSL laboratory as part of a predisposition screen in an ostensibly healthy population. It had not been previously curated by ICSL or reported in the Human Gene Mutation Database (HGMD: prior to June 1st, 2018), and was therefore a candidate for classification through an automated scoring system. Utilizing variant allele frequency, disease prevalence and penetrance estimates, and inheritance mode, an automated score was calculated to assess if this variant is too frequent to cause the disease. Based on the score and internal cut-off values, a variant classified as benign is not then subjected to further curation. The score for this variant resulted in a classification of benign for this disease.